The following is an entry in ClinVar:

NM_004525.3(LRP2):c.9595C>A (p.Pro3199Thr)

Gene: LRP2 (LDL receptor related protein 2; minus strand). Cytogenetic location: 2q31.1.
Variant type: single nucleotide variant.
Coding change: c.9595C>A on transcript NM_004525.3 (MANE Select); coding-DNA position 9595, C replaced by A.
Protein change: p.Pro3199Thr; replaces proline 3199 with threonine.
Molecular consequence: missense variant.
Genome position (GRCh38, 1-based): chr2:169,185,753, G>T on the plus strand (C>A on the coding strand, the complement: LRP2 is on the minus strand). VCF-style: chr2-169185753-G-T. GRCh37 (hg19) VCF-style: chr2-170042263-G-T.
Other names: short protein forms P3199T.
Identifiers: ClinVar variation 1437966 (VCV001437966.6), dbSNP rs1449419275, ClinGen allele CA349153955.

ClinVar aggregate classification (germline): Uncertain significance. Review status: criteria provided, multiple submitters, no conflicts (2 of 4 stars). 2 submissions from 2 submitters: Uncertain significance (2). Last evaluated 2024-05-31.

Allele frequency attached by ClinVar (database versions not stated): gnomAD exomes below 0.00001.
gnomAD v4.1: 6 of 1,613,434 alleles (0.00037%); highest among the groups gnomAD compares: East Asian, 0.0067%; no homozygotes.

Submissions (2):

Blueprint Genetics
Classification: Uncertain significance. Last evaluated: 2024-05-31. Review status: criteria provided, single submitter. Criteria: ACMG Guidelines, 2015. Collection method: clinical testing. Allele origin: germline.

Labcorp Genetics (formerly Invitae), Labcorp
Classification: Uncertain significance. Last evaluated: 2022-02-02. Review status: criteria provided, single submitter. Criteria: Invitae Variant Classification Sherloc (09022015). Collection method: clinical testing. Allele origin: germline.
Comment: This sequence change replaces proline, which is neutral and non-polar, with threonine, which is neutral and polar, at codon 3199 of the LRP2 protein (p.Pro3199Thr). This variant is present in population databases (no rsID available, gnomAD 0.0009%). This variant has not been reported in the literature in individuals affected with LRP2-related conditions. Advanced modeling of protein sequence and biophysical properties (such as structural, functional, and spatial information, amino acid conservation, physicochemical variation, residue mobility, and thermodynamic stability) performed at Invitae indicates that this missense variant is not expected to disrupt LRP2 protein function. In summary, the available evidence is currently insufficient to determine the role of this variant in disease. Therefore, it has been classified as a Variant of Uncertain Significance.